The following is an entry in ClinVar:

NM_001048174.2(MUTYH):c.1472G>T (p.Arg491Leu)

Gene: MUTYH (mutY DNA glycosylase; minus strand). Cytogenetic location: 1p34.1.
Variant type: single nucleotide variant.
Coding change: c.1472G>T on transcript NM_001048174.2 (MANE Select); coding-DNA position 1472, G replaced by T.
Protein change: p.Arg491Leu; replaces arginine 491 with leucine.
Molecular consequence: missense variant. On other transcripts: non-coding transcript variant (7).
Genome position (GRCh38, 1-based): chr1:45,329,400, C>A on the plus strand (G>T on the coding strand, the complement: MUTYH is on the minus strand). VCF-style: chr1-45329400-C-A. GRCh37 (hg19) VCF-style: chr1-45795072-C-A.
Other names: c.1430G>T, p.Arg477Leu (NM_001407080.1); c.1472G>T, p.Arg491Leu (NM_001407081.1, NM_001407088.1, NM_001407089.1 and 6 more transcripts); c.1127G>T, p.Arg376Leu (NM_001407082.1, NM_001350650.2, NM_001350651.2); c.1514G>T, p.Arg505Leu (NM_001407083.1, NM_001407085.1); c.1475G>T, p.Arg492Leu (NM_001407086.1, NM_001048172.2, NM_001407071.1 and 1 more transcripts); c.1493G>T, p.Arg498Leu (NM_001407087.1); c.1196G>T, p.Arg399Leu (NM_001407091.1, NM_001293192.2, NM_001293196.2); c.1556G>T, p.Arg519Leu (NM_001128425.2); and 5 more; short protein forms R477L, R498L, R516L, R399L, R502L, R519L, R376L, R478L.
Identifiers: ClinVar variation 4113357 (VCV004113357.1).

ClinVar aggregate classification (germline): Uncertain significance (1 of 4 stars; one submission).

Conditions:
Hereditary cancer-predisposing syndrome. Also called: Tumor predisposition; Neoplastic Syndromes, Hereditary; Hereditary neoplastic syndrome; Hereditary Cancer Syndrome. Identifiers: Orphanet 140162, MedGen C0027672, MeSH D009386, MONDO:0015356.

Submission:

Ambry Genetics
Classification: Uncertain significance for Hereditary cancer-predisposing syndrome. Last evaluated: 2025-08-27. Review status: criteria provided, single submitter. Criteria: Ambry Variant Classification Scheme 2023. Collection method: clinical testing. Allele origin: germline.
Comment: The p.R519L variant (also known as c.1556G>T), located in coding exon 16 of the MUTYH gene, results from a G to T substitution at nucleotide position 1556. The arginine at codon 519 is replaced by leucine, an amino acid with dissimilar properties. This amino acid position is conserved. In addition, this alteration is predicted to be tolerated by in silico analysis. Based on the available evidence, the clinical significance of this variant remains unclear.